The following is an entry in ClinVar:

NC_000007.13:g.(?_91863763)_(91871451_?)del

Gene: KRIT1 (KRIT1 ankyrin repeat containing; minus strand). Cytogenetic location: 7q21.2.
Variant type: Deletion.
Identifiers: ClinVar variation 468201 (VCV000468201.1).

ClinVar aggregate classification (germline): Pathogenic (1 of 4 stars; one submission).

Conditions:
Cerebral cavernous malformation (CCM). Also called: CAVERNOUS ANGIOMA, FAMILIAL; CAVERNOUS ANGIOMATOUS MALFORMATIONS; CEREBRAL CAPILLARY MALFORMATIONS; Cerebral cavernous malformations; Cavernous Hemangioma of Brain; Cerebral cavernous hemangioma (type). Identifiers: Orphanet 221061, MedGen C2919945, MONDO:0000820, OMIM 116860, HP:0033522.

Submission:

Labcorp Genetics (formerly Invitae), Labcorp
Classification: Pathogenic for Cerebral cavernous malformation. Last evaluated: 2016-06-06. Review status: criteria provided, single submitter. Criteria: Invitae Variant Classification Sherloc (09022015). Collection method: clinical testing. Allele origin: germline.
Comment: This variant is a gross deletion of the genomic region encompassing exons 5-11 of the KRIT1 gene, which includes the initiator codon. The 5' end of this event is unknown as it extends beyond the assayed region for this gene and therefore may encompass additional genes. The 3' boundary is likely confined to intron 5 of the KRIT1 gene. This is expected to result in an absent or disrupted protein product. While this particular deletion has not been reported in the literature, truncating variants and gross deletions in KRIT1 are known to be pathogenic (PMID: 10508515, 11222804, 12404106, 23595507, 18060436). For these reasons, this variant has been classified as Pathogenic.